The following is an entry in ClinVar:

NM_000038.6(APC):c.1256delinsTCA (p.Thr419fs)

Gene: APC (APC regulator of Wnt signaling pathway; plus strand). Cytogenetic location: 5q22.2.
Variant type: Indel.
Coding change: c.1256delinsTCA on transcript NM_000038.6 (MANE Select); coding-DNA position 1256, C replaced by TCA.
Protein change: p.Thr419fs; shifts the reading frame from threonine 419.
Molecular consequence: frameshift variant. On other transcripts: non-coding transcript variant (2).
Genome position (GRCh38, 1-based): chr5:112,819,288, C replaced by TCA. VCF-style: chr5-112819288-C-TCA. GRCh37 (hg19) VCF-style: chr5-112154985-C-TCA.
Other names: c.1256delinsTCA, p.Thr419fs (NM_001354895.2, NM_001127510.3, NM_001354896.2 and 4 more transcripts); c.1202delinsTCA, p.Thr401fs (NM_001127511.3); c.1286delinsTCA, p.Thr429fs (NM_001354897.2, NM_001407446.1); c.1181delinsTCA, p.Thr394fs (NM_001354898.2, NM_001407451.1); c.1172delinsTCA, p.Thr391fs (NM_001354899.2, NM_001407452.1); c.1079delinsTCA, p.Thr360fs (NM_001354900.2, NM_001354901.2, NM_001407453.1); c.983delinsTCA, p.Thr328fs (NM_001354902.2); c.953delinsTCA, p.Thr318fs (NM_001354903.2, NM_001407454.1, NM_001407455.1 and 5 more transcripts); and 5 more; short protein forms T136fs, T293fs, T318fs, T35fs, T429fs, T328fs, T391fs, T360fs.
Identifiers: ClinVar variation 2567048 (VCV002567048.3), dbSNP rs2533056724, ClinGen allele CA445960379.

ClinVar aggregate classification (germline): Pathogenic. Review status: criteria provided, multiple submitters, no conflicts (2 of 4 stars). 2 submissions from 2 submitters: Pathogenic (2). Last evaluated 2023-06-04.

Conditions:
Hereditary cancer-predisposing syndrome. Also called: Hereditary neoplastic syndrome; Hereditary Cancer Syndrome; Neoplastic Syndromes, Hereditary; Tumor predisposition. Identifiers: Orphanet 140162, MedGen C0027672, MeSH D009386, MONDO:0015356.
Familial adenomatous polyposis 1 (FAP1). Also called: POLYPOSIS, ADENOMATOUS INTESTINAL; FAMILIAL ADENOMATOUS POLYPOSIS 1, ATTENUATED. Identifiers: MedGen C2713442, MONDO:0021056, OMIM 175100. Disease mechanism: loss of function.

Submissions (2):

Ambry Genetics
Classification: Pathogenic for Hereditary cancer-predisposing syndrome. Last evaluated: 2023-06-04. Review status: criteria provided, single submitter. Criteria: Ambry Variant Classification Scheme 2023. Collection method: clinical testing. Allele origin: germline.
Comment: The c.1256delCinsTCA pathogenic mutation, located in coding exon 9 of the APC gene, results from the deletion of one nucleotide and insertion of 3 nucleotides causing a translational frameshift with a predicted alternate stop codon (p.T419Ifs*36). This variant is considered to be rare based on population cohorts in the Genome Aggregation Database (gnomAD). This alteration is expected to result in loss of function by premature protein truncation or nonsense-mediated mRNA decay. As such, this alteration is interpreted as a disease-causing mutation.

Myriad Genetics, Inc.
Classification: Pathogenic for Familial adenomatous polyposis 1. Last evaluated: 2023-05-01. Review status: criteria provided, single submitter. Criteria: Myriad Autosomal Dominant, Autosomal Recessive and X-Linked Classification Criteria (2023). Collection method: clinical testing. Allele origin: unknown.
Comment: This variant is considered pathogenic. This variant creates a frameshift predicted to result in premature protein truncation.